The following is an entry in ClinVar:

NM_032806.6(POMGNT2):c.595G>A (p.Glu199Lys)

Gene: POMGNT2 (protein O-linked mannose N-acetylglucosaminyltransferase 2 (beta 1,4-); minus strand). Cytogenetic location: 3p22.1.
Variant type: single nucleotide variant.
Coding change: c.595G>A on transcript NM_032806.6 (MANE Select); coding-DNA position 595, G replaced by A.
Protein change: p.Glu199Lys; replaces glutamic acid 199 with lysine.
Molecular consequence: missense variant.
Genome position (GRCh38, 1-based): chr3:43,080,837, C>T on the plus strand (G>A on the coding strand, the complement: POMGNT2 is on the minus strand). VCF-style: chr3-43080837-C-T. GRCh37 (hg19) VCF-style: chr3-43122329-C-T.
Other names: short protein forms E199K.
Identifiers: ClinVar variation 2046666 (VCV002046666.1), dbSNP rs758760216, ClinGen allele CA2340031.
Genomic context (GRCh38, chr3:43,080,837, plus strand): 5'-GTGCCCGCAGGAGAGGCTGCTTGGGGCTGAGCAGCTTGTAGAGGTCGAAGTGTGCACCCT[C>T]GCCCCAGCCCTCCATGAAGAAGAGCCGTGCCTCGTGGGCCAGGCCGGGAAACTGCCGCAG-3'
Protein context (NP_116195.2, residues 189-209): ARLFFMEGWG[Glu199Lys]GAHFDLYKLL

ClinVar aggregate classification (germline): Uncertain significance (1 of 4 stars; one submission).

Conditions:
Muscular dystrophy-dystroglycanopathy (congenital with brain and eye anomalies), type a, 8 (MDDGA8). Also called: WALKER-WARBURG SYNDROME OR MUSCLE-EYE-BRAIN DISEASE, GTDC2-RELATED. Identifiers: Orphanet 899, MedGen C3553813, MONDO:0013904, OMIM 614830.

Allele frequency attached by ClinVar (database versions not stated): ExAC 0.00002; gnomAD 0.00003; gnomAD exomes 0.00004; TOPMed 0.00006.
gnomAD v4.1: 55 of 1,613,922 alleles (0.0034%); highest among the groups gnomAD compares: African/African-American, 0.0067%; no homozygotes.

Submission:

Labcorp Genetics (formerly Invitae), Labcorp
Classification: Uncertain significance for Muscular dystrophy-dystroglycanopathy (congenital with brain and eye anomalies), type a, 8. Last evaluated: 2022-07-15. Review status: criteria provided, single submitter. Criteria: Invitae Variant Classification Sherloc (09022015). Collection method: clinical testing. Allele origin: germline.
Comment: This sequence change replaces glutamic acid, which is acidic and polar, with lysine, which is basic and polar, at codon 199 of the POMGNT2 protein (p.Glu199Lys). This variant is present in population databases (rs758760216, gnomAD 0.01%). This variant has not been reported in the literature in individuals affected with POMGNT2-related conditions. Algorithms developed to predict the effect of missense changes on protein structure and function (SIFT, PolyPhen-2, Align-GVGD) all suggest that this variant is likely to be disruptive. In summary, the available evidence is currently insufficient to determine the role of this variant in disease. Therefore, it has been classified as a Variant of Uncertain Significance.